The following is an entry in ClinVar:

NM_004446.3(EPRS1):c.4206A>C (p.Gln1402His)

Gene: EPRS1 (glutamyl-prolyl-tRNA synthetase 1; minus strand). Cytogenetic location: 1q41.
Variant type: single nucleotide variant.
Coding change: c.4206A>C on transcript NM_004446.3 (MANE Select); coding-DNA position 4206, A replaced by C.
Protein change: p.Gln1402His; replaces glutamine 1402 with histidine.
Molecular consequence: missense variant.
Genome position (GRCh38, 1-based): chr1:219,973,276, T>G on the plus strand (A>C on the coding strand, the complement: EPRS1 is on the minus strand). VCF-style: chr1-219973276-T-G. GRCh37 (hg19) VCF-style: chr1-220146618-T-G.
Other names: c.4206A>C (NM_004446.2); short protein forms Q1402H.
Identifiers: ClinVar variation 1935258 (VCV001935258.6), dbSNP rs749662281, ClinGen allele CA344626745.

ClinVar aggregate classification (germline): Uncertain significance. Review status: criteria provided, multiple submitters, no conflicts (2 of 4 stars). 2 submissions from 2 submitters: Uncertain significance (2). Last evaluated 2025-08-21.

Conditions:
Inborn genetic diseases. Identifiers: MedGen C0950123, MeSH D030342.

gnomAD v4.1: 5 of 1,612,716 alleles (0.00031%); highest among the groups gnomAD compares: Admixed American, 0.005%; no homozygotes.

Submissions (2):

Ambry Genetics
Classification: Uncertain significance for Inborn genetic diseases. Last evaluated: 2025-08-21. Review status: criteria provided, single submitter. Criteria: Ambry Variant Classification Scheme 2023. Collection method: clinical testing. Allele origin: germline.

Labcorp Genetics (formerly Invitae), Labcorp
Classification: Uncertain significance. Last evaluated: 2024-10-15. Review status: criteria provided, single submitter. Criteria: Invitae Variant Classification Sherloc (09022015). Collection method: clinical testing. Allele origin: germline.
Comment: This sequence change replaces glutamine, which is neutral and polar, with histidine, which is basic and polar, at codon 1402 of the EPRS protein (p.Gln1402His). This variant is not present in population databases (gnomAD no frequency). This variant has not been reported in the literature in individuals affected with EPRS-related conditions. ClinVar contains an entry for this variant (Variation ID: 1935258). An algorithm developed to predict the effect of missense changes on protein structure and function outputs the following: PolyPhen-2: "Benign". The histidine amino acid residue is found in multiple mammalian species, which suggests that this missense change does not adversely affect protein function. In summary, the available evidence is currently insufficient to determine the role of this variant in disease. Therefore, it has been classified as a Variant of Uncertain Significance.